The following is an entry in ClinVar:

ClinVar aggregate classification (germline): Benign. Review status: criteria provided, multiple submitters, no conflicts (2 of 4 stars). 2 submissions from 2 submitters: Benign (2). Last evaluated 2018-01-12.

Conditions:
Arrhythmogenic right ventricular dysplasia 9 (ARVD9). Also called: Arrhythmogenic Right Ventricular Dysplasia/Cardiomyopathy 9; ARRHYTHMOGENIC RIGHT VENTRICULAR DYSPLASIA, FAMILIAL, 9. Identifiers: MedGen C1836906, MONDO:0012180, OMIM 609040.

Allele frequency attached by ClinVar (database versions not stated): 1000 Genomes Project 0.03574; gnomAD 0.05172 and 0.05190; 1000 Genomes Project 30x 0.03623; TOPMed 0.05145.

Submissions (2):

Illumina Laboratory Services, Illumina
Classification: Benign for Arrhythmogenic right ventricular dysplasia 9. Last evaluated: 2018-01-12. Review status: criteria provided, single submitter. Criteria: ICSL Variant Classification Criteria 13 December 2019. Collection method: clinical testing. Allele origin: germline.
Comment: This variant was observed in the ICSL laboratory as part of a predisposition screen in an ostensibly healthy population. It had not been previously curated by ICSL or reported in the Human Gene Mutation Database (HGMD: prior to June 1st, 2018), and was therefore a candidate for classification through an automated scoring system. Utilizing variant allele frequency, disease prevalence and penetrance estimates, and inheritance mode, an automated score was calculated to assess if this variant is too frequent to cause the disease. Based on the score and internal cut-off values, a variant classified as benign is not then subjected to further curation. The score for this variant resulted in a classification of benign for this disease.

Breakthrough Genomics
Classification: Benign. Review status: criteria provided, single submitter. Criteria: ACMG Guidelines, 2015. Collection method: not provided. Allele origin: germline. Inheritance: Autosomal dominant inheritance. Affected: yes.

NM_001005242.3(PKP2):c.*1563G>T

Gene: PKP2 (plakophilin 2; minus strand). Cytogenetic location: 12p11.21.
Variant type: single nucleotide variant.
Coding change: c.*1563G>T on transcript NM_001005242.3 (MANE Select); 1563 bases downstream of the stop codon, G replaced by T.
Molecular consequence: 3 prime UTR variant.
Genome position (GRCh38, 1-based): chr12:32,790,861, C>A on the plus strand (G>T on the coding strand, the complement: PKP2 is on the minus strand). VCF-style: chr12-32790861-C-A. GRCh37 (hg19) VCF-style: chr12-32943795-C-A.
Other names: c.*1563G>T (NM_004572.4).
Identifiers: ClinVar variation 308468 (VCV000308468.6), dbSNP rs1046154, ClinGen allele CA10641052.
Genomic context (GRCh38, chr12:32,790,861, plus strand): 5'-ACAAAAAGTTCTGAACACACATTTATTATCTGGAGGAATAAATGCACTCCAAATGCTTAT[C>A]ATCAGAACTCTGGAAAAAGACATATAAATTCTCTCCAGTATTTTAAAAATTGGTATCTAA-3'